The following is an entry in ClinVar:

ClinVar aggregate classification (germline): Uncertain significance. Review status: criteria provided, multiple submitters, no conflicts (2 of 4 stars). 2 submissions from 2 submitters: Uncertain significance (2). Last evaluated 2025-05-29.

Conditions:
Inborn genetic diseases. Identifiers: MedGen C0950123, MeSH D030342.
D-2-hydroxyglutaric aciduria 1 (D2HGA1). Identifiers: Orphanet 79315, MedGen C3152055, MONDO:0024554, OMIM 600721.

Allele frequency attached by ClinVar (database versions not stated): TOPMed 0.00003; gnomAD 0.00005; ExAC 0.00013; 1000 Genomes Project 30x 0.00047; 1000 Genomes Project 0.00060.
gnomAD v4.1: 13 of 1,513,800 alleles (0.00086%); highest among the groups gnomAD compares: African/African-American, 0.016%; no homozygotes.

Submissions (2):

Ambry Genetics
Classification: Uncertain significance for Inborn genetic diseases. Last evaluated: 2025-05-29. Review status: criteria provided, single submitter. Criteria: Ambry Variant Classification Scheme 2023. Collection method: clinical testing. Allele origin: germline.

Labcorp Genetics (formerly Invitae), Labcorp
Classification: Uncertain significance for D-2-hydroxyglutaric aciduria 1. Last evaluated: 2024-02-23. Review status: criteria provided, single submitter. Criteria: Invitae Variant Classification Sherloc (09022015). Collection method: clinical testing. Allele origin: germline.
Comment: This sequence change replaces arginine, which is basic and polar, with leucine, which is neutral and non-polar, at codon 4 of the D2HGDH protein (p.Arg4Leu). The frequency data for this variant in the population databases is considered unreliable, as metrics indicate poor data quality at this position in the gnomAD database. This variant has not been reported in the literature in individuals affected with D2HGDH-related conditions. ClinVar contains an entry for this variant (Variation ID: 2059149). Algorithms developed to predict the effect of missense changes on protein structure and function output the following: SIFT: "Not Available"; PolyPhen-2: "Benign"; Align-GVGD: "Not Available". The leucine amino acid residue is found in multiple mammalian species, which suggests that this missense change does not adversely affect protein function. In summary, the available evidence is currently insufficient to determine the role of this variant in disease. Therefore, it has been classified as a Variant of Uncertain Significance.

NM_152783.5(D2HGDH):c.11G>T (p.Arg4Leu)

Genes: D2HGDH (D-2-hydroxyglutarate dehydrogenase; plus strand), LOC129936031 (ATAC-STARR-seq lymphoblastoid silent region 12558; plus strand). Cytogenetic location: 2q37.3.
Variant type: single nucleotide variant.
Coding change: c.11G>T on transcript NM_152783.5 (MANE Select); coding-DNA position 11, G replaced by T.
Protein change: p.Arg4Leu; replaces arginine 4 with leucine.
Molecular consequence: missense variant. On other transcripts: 5 prime UTR variant (1), non-coding transcript variant (1), intron variant (1).
Genome position (GRCh38, 1-based): chr2:241,735,235, G>T. VCF-style: chr2-241735235-G-T. GRCh37 (hg19) VCF-style: chr2-242674650-G-T.
Other names: c.11G>T (NM_152783.3); c.-534G>T (NM_001352824.2); c.-111+540G>T (NM_001287249.2); short protein forms R4L.
Identifiers: ClinVar variation 2059149 (VCV002059149.5), dbSNP rs544017156, ClinGen allele CA2221499.